The following is an entry in ClinVar:

NM_004104.5(FASN):c.5114G>A (p.Arg1705Gln)

Gene: FASN (fatty acid synthase; minus strand). Cytogenetic location: 17q25.3.
Variant type: single nucleotide variant.
Coding change: c.5114G>A on transcript NM_004104.5 (MANE Select); coding-DNA position 5114, G replaced by A.
Protein change: p.Arg1705Gln; replaces arginine 1705 with glutamine.
Molecular consequence: missense variant.
Genome position (GRCh38, 1-based): chr17:82,083,876, C>T on the plus strand (G>A on the coding strand, the complement: FASN is on the minus strand). VCF-style: chr17-82083876-C-T. GRCh37 (hg19) VCF-style: chr17-80041752-C-T.
Other names: short protein forms R1705Q.
Identifiers: ClinVar variation 531035 (VCV000531035.13), dbSNP rs534878599, ClinGen allele CA8851812.
Genomic context (GRCh38, chr17:82,083,876, plus strand): 5'-TCCCGGGAGTTGGCGAAGCTGGTGCTGTCGAGCTGGGGGAACCTGGCCTGGAGGTACGCC[C>T]GCTTCTCAGCCGACCCTGGTGAAGAGAGGAAGCGCGGCTGGTGAGCCAGGGCGGCGGGGC-3'
Protein context (NP_004095.4, residues 1695-1715): VFTTVGSAEK[Arg1705Gln]AYLQARFPQL

ClinVar aggregate classification (germline): Uncertain significance. Review status: criteria provided, multiple submitters, no conflicts (2 of 4 stars). 2 submissions from 2 submitters: Uncertain significance (2). Last evaluated 2025-12-20.

Conditions:
Epileptic encephalopathy. Identifiers: MedGen C0543888, HP:0200134.

Allele frequency attached by ClinVar (database versions not stated): gnomAD 0.00009 and 0.00007; gnomAD exomes 0.00010; 1000 Genomes Project 30x 0.00016; ExAC 0.00017; 1000 Genomes Project 0.00020; TOPMed 0.00008.
gnomAD v4.1: 298 of 1,572,120 alleles (0.019%); highest among the groups gnomAD compares: South Asian, 0.047%; 1 homozygote.

Submissions (2):

Labcorp Genetics (formerly Invitae), Labcorp
Classification: Uncertain significance for Epileptic encephalopathy. Last evaluated: 2025-12-20. Review status: criteria provided, single submitter. Criteria: Invitae Variant Classification Sherloc (09022015). Collection method: clinical testing. Allele origin: germline.
Comment: This sequence change replaces arginine, which is basic and polar, with glutamine, which is neutral and polar, at codon 1705 of the FASN protein (p.Arg1705Gln). This variant is present in population databases (rs534878599, gnomAD 0.03%). This variant has not been reported in the literature in individuals affected with FASN-related conditions. ClinVar contains an entry for this variant (Variation ID: 531035). An algorithm developed to predict the effect of missense changes on protein structure and function outputs the following: PolyPhen-2: "Benign". The glutamine amino acid residue is found in multiple mammalian species, which suggests that this missense change does not adversely affect protein function. In summary, the available evidence is currently insufficient to determine the role of this variant in disease. Therefore, it has been classified as a Variant of Uncertain Significance.

Ambry Genetics
Classification: Uncertain significance. Last evaluated: 2025-08-23. Review status: criteria provided, single submitter. Criteria: Ambry Variant Classification Scheme 2023. Collection method: clinical testing. Allele origin: germline.